The following is an entry in ClinVar:

ClinVar aggregate classification (germline): Uncertain significance (1 of 4 stars; one submission).

Submission:

Labcorp Genetics (formerly Invitae), Labcorp
Classification: Uncertain significance. Last evaluated: 2025-10-16. Review status: criteria provided, single submitter. Criteria: Invitae Variant Classification Sherloc (09022015). Collection method: clinical testing. Allele origin: germline.
Comment: This sequence change replaces leucine, which is neutral and non-polar, with proline, which is neutral and non-polar, at codon 244 of the SLC10A2 protein (p.Leu244Pro). This variant is not present in population databases (gnomAD no frequency). This variant has not been reported in the literature in individuals affected with SLC10A2-related conditions. Invitae Evidence Modeling of protein sequence and biophysical properties (such as structural, functional, and spatial information, amino acid conservation, physicochemical variation, residue mobility, and thermodynamic stability) indicates that this missense variant is expected to disrupt SLC10A2 protein function with a positive predictive value of 80%. In summary, the available evidence is currently insufficient to determine the role of this variant in disease. Therefore, it has been classified as a Variant of Uncertain Significance.

NM_000452.3(SLC10A2):c.731T>C (p.Leu244Pro)

Gene: SLC10A2 (solute carrier family 10 member 2; minus strand). Cytogenetic location: 13q33.1.
Variant type: single nucleotide variant.
Coding change: c.731T>C on transcript NM_000452.3 (MANE Select); coding-DNA position 731, T replaced by C.
Protein change: p.Leu244Pro; replaces leucine 244 with proline.
Molecular consequence: missense variant.
Genome position (GRCh38, 1-based): chr13:103,051,287, A>G on the plus strand (T>C on the coding strand, the complement: SLC10A2 is on the minus strand). VCF-style: chr13-103051287-A-G. GRCh37 (hg19) VCF-style: chr13-103703637-A-G.
Other names: short protein forms L244P.
Identifiers: ClinVar variation 4744084 (VCV004744084.1).
Genomic context (GRCh38, chr13:103,051,287, plus strand): 5'-ATTCCCAATGTGATTTACTAAATGCCATACCTGTACCAGGGTAGACCAGCAATTCTAGCC[A>G]GAAGAAACCCCAGGGAGTAACCCGCCACAGGAAATATTGTTCCTATAATCCACAGTTTGG-3'
Protein context (NP_000443.2, residues 234-254): PVAGYSLGFL[Leu244Pro]ARIAGLPWYR